The following is an entry in ClinVar:

NM_018105.3(THAP1):c.71+9C>A

Gene: THAP1 (THAP domain containing 1; minus strand). Cytogenetic location: 8p11.21.
Variant type: single nucleotide variant.
Coding change: c.71+9C>A on transcript NM_018105.3 (MANE Select); 9 bases into the intron after coding-DNA position 71, C replaced by A.
Molecular consequence: intron variant.
Genome position (GRCh38, 1-based): chr8:42,843,015, G>T on the plus strand (C>A on the coding strand, the complement: THAP1 is on the minus strand). VCF-style: chr8-42843015-G-T. GRCh37 (hg19) VCF-style: chr8-42698158-G-T.
Other names: c.71+9C>A (NM_199003.2).
Identifiers: ClinVar variation 363126 (VCV000363126.53), dbSNP rs200209986, ClinGen allele CA4734629.

ClinVar aggregate classification (germline): Benign/Likely benign. Review status: criteria provided, multiple submitters, no conflicts (2 of 4 stars). 10 submissions from 10 submitters: Benign (3); Likely benign (4). 3 of the submissions do not count toward it. Last evaluated 2025-12-19.

Conditions:
Torsion dystonia 6 (DYT6). Also called: DYT-THAP1. Identifiers: Orphanet 98806, MedGen C1414216, MONDO:0011264, OMIM 602629.
THAP1-related disorder. Also called: THAP1-related condition.

Allele frequency attached by ClinVar (database versions not stated): gnomAD exomes 0.00113; gnomAD 0.00119 and 0.00121; 1000 Genomes Project 0.00120; 1000 Genomes Project 30x 0.00125; ExAC 0.00129; TOPMed 0.00162; ESP Exome Variant Server 0.00200.

Submissions (10):

Labcorp Genetics (formerly Invitae), Labcorp
Classification: Benign for Torsion dystonia 6. Last evaluated: 2025-12-19. Review status: criteria provided, single submitter. Criteria: Invitae Variant Classification Sherloc (09022015). Collection method: clinical testing. Allele origin: germline.

PreventionGenetics, part of Exact Sciences
Classification: Likely benign for THAP1-related condition. Last evaluated: 2025-09-11. Review status: criteria provided, single submitter. Criteria: ACMG Guidelines, 2015. Collection method: clinical testing. Allele origin: germline.
Comment: This variant is classified as likely benign based on ACMG/AMP sequence variant interpretation guidelines (Richards et al. 2015 PMID: 25741868, with internal and published modifications).

CeGaT Center for Human Genetics Tuebingen
Classification: Likely benign. Last evaluated: 2025-05-01. Review status: criteria provided, single submitter. Criteria: CeGaT Center For Human Genetics Tuebingen Variant Classification Criteria Version 2. Collection method: clinical testing. Allele origin: germline. Affected: yes. Observed: 6 variant alleles.
Comment: THAP1: BS1

Blueprint Genetics
Classification: Likely benign. Last evaluated: 2024-11-08. Review status: criteria provided, single submitter. Criteria: ACMG Guidelines, 2015. Collection method: clinical testing. Allele origin: germline.

GeneDx
Classification: Benign. Last evaluated: 2019-09-03. Review status: criteria provided, single submitter. Criteria: GeneDx Variant Classification Process June 2021. Collection method: clinical testing. Allele origin: germline. Affected: yes.
Comment: This variant is associated with the following publications: (PMID: 31367947, 24936516, 20083799, 27123488)

Illumina Laboratory Services, Illumina
Classification: Likely benign for Torsion dystonia 6. Last evaluated: 2017-04-27. Review status: criteria provided, single submitter. Criteria: ICSL Variant Classification Criteria 13 December 2019. Collection method: clinical testing. Allele origin: germline.
Comment: This variant was observed as part of a predisposition screen in an ostensibly healthy population. A literature search was performed for the gene, cDNA change, and amino acid change (where applicable). Publications were found based on this search. The evidence from the literature, in combination with allele frequency data from public databases where available, was sufficient to determine this variant is unlikely to cause disease. Therefore, this variant is classified as likely benign.

Athena Diagnostics
Classification: Benign. Last evaluated: 2016-11-07. Review status: criteria provided, single submitter. Criteria: Athena Diagnostics Criteria. Collection method: clinical testing. Allele origin: germline.

Clinical Genetics DNA and cytogenetics Diagnostics Lab, Erasmus MC, Erasmus Medical Center
Classification: Likely benign. Review status: no assertion criteria provided. Collection method: clinical testing. Allele origin: germline. Affected: yes. Study: VKGL Data-share Consensus. Not counted in ClinVar's aggregate classification.

Diagnostic Laboratory, Department of Genetics, University Medical Center Groningen
Classification: Likely benign. Review status: no assertion criteria provided. Collection method: clinical testing. Allele origin: germline. Affected: yes. Study: VKGL Data-share Consensus. Not counted in ClinVar's aggregate classification.

Joint Genome Diagnostic Labs from Nijmegen and Maastricht, Radboudumc and MUMC+
Classification: Likely benign. Review status: no assertion criteria provided. Collection method: clinical testing. Allele origin: germline. Affected: yes. Study: VKGL Data-share Consensus. Not counted in ClinVar's aggregate classification.

Literature cited by the submitters: PubMed 21847143 (cited by Illumina Laboratory Services, Illumina); PubMed 20083799 (cited by Illumina Laboratory Services, Illumina and Athena Diagnostics); PubMed 24936516 (cited by Athena Diagnostics); PubMed 27123488 (cited by Athena Diagnostics).